The following is an entry in ClinVar:

NM_001035.3(RYR2):c.13448A>C (p.Lys4483Thr)

Gene: RYR2 (ryanodine receptor 2; plus strand). Cytogenetic location: 1q43.
Variant type: single nucleotide variant.
Coding change: c.13448A>C on transcript NM_001035.3 (MANE Select); coding-DNA position 13448, A replaced by C.
Protein change: p.Lys4483Thr; replaces lysine 4483 with threonine.
Molecular consequence: missense variant.
Genome position (GRCh38, 1-based): chr1:237,788,107, A>C. VCF-style: chr1-237788107-A-C. GRCh37 (hg19) VCF-style: chr1-237951407-A-C.
Other names: short protein forms K4483T.
Identifiers: ClinVar variation 2968834 (VCV002968834.3), dbSNP rs1441937272, ClinGen allele CA345416619.
Genomic context (GRCh38, chr1:237,788,107, plus strand): 5'-GGCAGCTTCACACACACAGATACGGAGAACCAGAAGTGCCAGAGTCAGCATTCTGGAAGA[A>C]AATCATAGCATATCAACAGAAACTTCTAGTAAGATGTTTTAGAATGAATATTGTTACTGA-3'
Protein context (NP_001026.2, residues 4473-4493): PEVPESAFWK[Lys4483Thr]IIAYQQKLLN

ClinVar aggregate classification (germline): Uncertain significance (1 of 4 stars; one submission).

Conditions:
Catecholaminergic polymorphic ventricular tachycardia 1. Also called: VENTRICULAR TACHYCARDIA, CATECHOLAMINERGIC POLYMORPHIC, 1, WITH OR WITHOUT ATRIAL DYSFUNCTION AND/OR DILATED CARDIOMYOPATHY; RYR2-Related Catecholaminergic Polymorphic Ventricular Tachycardia; VENTRICULAR TACHYCARDIA, STRESS-INDUCED POLYMORPHIC 1. Identifiers: Orphanet 3286, MedGen C1631597, MONDO:0011484, OMIM 604772.

Allele frequency attached by ClinVar (database versions not stated): gnomAD 0.00001; TOPMed 0.00003.
gnomAD v4.1: 1 of 1,612,014 alleles (0.000062%); highest among the groups gnomAD compares: African/African-American, 0.0013%; no homozygotes.

Submission:

Labcorp Genetics (formerly Invitae), Labcorp
Classification: Uncertain significance for Catecholaminergic polymorphic ventricular tachycardia 1. Last evaluated: 2023-05-22. Review status: criteria provided, single submitter. Criteria: Invitae Variant Classification Sherloc (09022015). Collection method: clinical testing. Allele origin: germline.
Comment: In summary, the available evidence is currently insufficient to determine the role of this variant in disease. Therefore, it has been classified as a Variant of Uncertain Significance. Advanced modeling of protein sequence and biophysical properties (such as structural, functional, and spatial information, amino acid conservation, physicochemical variation, residue mobility, and thermodynamic stability) performed at Invitae indicates that this missense variant is not expected to disrupt RYR2 protein function. This sequence change replaces lysine, which is basic and polar, with threonine, which is neutral and polar, at codon 4483 of the RYR2 protein (p.Lys4483Thr). This variant is not present in population databases (gnomAD no frequency). This variant has not been reported in the literature in individuals affected with RYR2-related conditions.